The following is an entry in ClinVar:

ClinVar aggregate classification (germline): Benign/Likely benign. Review status: criteria provided, multiple submitters, no conflicts (2 of 4 stars). 5 submissions from 5 submitters: Benign (1); Likely benign (4). Last evaluated 2026-05-13.

Conditions:
COG8-congenital disorder of glycosylation. Also called: CDG IIh; COG8-CDG. Identifiers: Orphanet 95428, MedGen C1970021, MONDO:0012635, OMIM 611182.

Allele frequency attached by ClinVar (database versions not stated): gnomAD exomes 0.00026 and 0.00062; ExAC 0.00085; 1000 Genomes Project 0.00260; gnomAD 0.00285 and 0.00304; TOPMed 0.00288; ESP Exome Variant Server 0.00292; 1000 Genomes Project 30x 0.00312.
gnomAD v4.1: 833 of 1,614,096 alleles (0.052%); highest among the groups gnomAD compares: African/African-American, 0.98%; 5 homozygotes.

Submissions (5):

Women's Health and Genetics/Laboratory Corporation of America, LabCorp
Classification: Likely benign. Last evaluated: 2026-05-13. Review status: criteria provided, single submitter. Criteria: LabCorp Variant Classification Summary - May 2015. Collection method: clinical testing. Allele origin: germline.
Comment: Variant summary: COG8 c.578T>C (p.Val193Ala) results in a non-conservative amino acid change in the encoded protein sequence. Algorithms developed to predict the effect of missense changes on protein structure and function are either unavailable or do not agree on the potential impact of this missense change. The variant allele was found at a frequency of 0.00062 in 251432 control chromosomes, predominantly at a frequency of 0.0084 within the African or African-American subpopulation in the gnomAD database, including 1 homozygotes. The observed variant frequency within African or African-American control individuals in the gnomAD database exceeds the estimated maximal expected allele frequency for disease-causing variants in COG8. To our knowledge, no occurrence of c.578T>C in individuals affected with COG8-related conditions and no experimental evidence demonstrating its impact on protein function have been reported. ClinVar contains an entry for this variant (Variation ID: 703456). Based on the evidence outlined above, the variant was classified as likely benign.

Labcorp Genetics (formerly Invitae), Labcorp
Classification: Likely benign for COG8-congenital disorder of glycosylation. Last evaluated: 2025-03-18. Review status: criteria provided, single submitter. Criteria: Invitae Variant Classification Sherloc (09022015). Collection method: clinical testing. Allele origin: germline.

Blueprint Genetics
Classification: Likely benign. Last evaluated: 2024-08-06. Review status: criteria provided, single submitter. Criteria: ACMG Guidelines, 2015. Collection method: clinical testing. Allele origin: germline.

Illumina Laboratory Services, Illumina
Classification: Benign for COG8-congenital disorder of glycosylation. Last evaluated: 2017-04-28. Review status: criteria provided, single submitter. Criteria: ICSL Variant Classification Criteria 13 December 2019. Collection method: clinical testing. Allele origin: germline.
Comment: This variant was observed as part of a predisposition screen in an ostensibly healthy population. A literature search was performed for the gene, cDNA change, and amino acid change (where applicable). No publications were found based on this search. Allele frequency data from public databases was too high to be consistent with this variant causing disease. Therefore, this variant is classified as benign.

Breakthrough Genomics
Classification: Likely benign. Review status: criteria provided, single submitter. Criteria: ACMG Guidelines, 2015. Collection method: not provided. Allele origin: germline. Inheritance: Unknown mechanism. Affected: yes.

NM_032382.5(COG8):c.578T>C (p.Val193Ala)

Gene: COG8 (component of oligomeric golgi complex 8; minus strand). Cytogenetic location: 16q22.1.
Variant type: single nucleotide variant.
Coding change: c.578T>C on transcript NM_032382.5 (MANE Select); coding-DNA position 578, T replaced by C.
Protein change: p.Val193Ala; replaces valine 193 with alanine.
Molecular consequence: missense variant.
Genome position (GRCh38, 1-based): chr16:69,336,512, A>G on the plus strand (T>C on the coding strand, the complement: COG8 is on the minus strand). VCF-style: chr16-69336512-A-G. GRCh37 (hg19) VCF-style: chr16-69370415-A-G.
Other names: c.578T>C, p.Val193Ala (NM_001374871.1); short protein forms V193A.
Identifiers: ClinVar variation 703456 (VCV000703456.18), dbSNP rs138647246, ClinGen allele CA8133927.
Genomic context (GRCh38, chr16:69,336,512, plus strand): 5'-AATAAATGATTACAAGAACATTACTTTGAGTCCTCTCTGGGCAAGGTGGCTACCTGGATG[A>G]CAGGGATGGAAGAGTATTTCCTCTCCAGTCGGCGTACGTAGGCTGCAAGCTCCAGGGCCT-3'
Protein context (NP_115758.3, residues 183-203): RLERKYSSIP[Val193Ala]IQGIVNEVRQ